The following is an entry in ClinVar:

ClinVar aggregate classification (germline): Uncertain significance. Review status: criteria provided, multiple submitters, no conflicts (2 of 4 stars). 2 submissions from 2 submitters: Uncertain significance (2). Last evaluated 2024-11-25.

Conditions:
Amyotrophic lateral sclerosis type 4 (ALS4). Also called: AMYOTROPHIC LATERAL SCLEROSIS 4, JUVENILE; NEURONOPATHY, DISTAL HEREDITARY MOTOR, WITH PYRAMIDAL FEATURES. Identifiers: Orphanet 357043, MedGen C1865409, MONDO:0011223, OMIM 602433.
Spinocerebellar ataxia, autosomal recessive, with axonal neuropathy 2 (SCAN2). Also called: ATAXIA-OCULOMOTOR APRAXIA 2; Ataxia with Oculomotor Apraxia Type 2; Ataxia-ocular apraxia-2; Ataxia with Oculomotor Apraxia. Identifiers: Orphanet 64753, MedGen C1853761, MONDO:0018996, OMIM 606002.
Inborn genetic diseases. Identifiers: MedGen C0950123, MeSH D030342.

Allele frequency attached by ClinVar (database versions not stated): gnomAD exomes below 0.00001; TOPMed below 0.00001; gnomAD 0.00001.
gnomAD v4.1: 3 of 1,612,666 alleles (0.00019%); highest among the groups gnomAD compares: Admixed American, 0.0033%; no homozygotes.

Submissions (2):

Labcorp Genetics (formerly Invitae), Labcorp
Classification: Uncertain significance for Amyotrophic lateral sclerosis type 4; Spinocerebellar ataxia, autosomal recessive, with axonal neuropathy 2. Last evaluated: 2024-11-25. Review status: criteria provided, single submitter. Criteria: Invitae Variant Classification Sherloc (09022015). Collection method: clinical testing. Allele origin: germline.
Comment: This sequence change replaces isoleucine, which is neutral and non-polar, with threonine, which is neutral and polar, at codon 809 of the SETX protein (p.Ile809Thr). This variant is not present in population databases (gnomAD no frequency). This variant has not been reported in the literature in individuals affected with SETX-related conditions. ClinVar contains an entry for this variant (Variation ID: 2923704). Invitae Evidence Modeling of protein sequence and biophysical properties (such as structural, functional, and spatial information, amino acid conservation, physicochemical variation, residue mobility, and thermodynamic stability) indicates that this missense variant is not expected to disrupt SETX protein function with a negative predictive value of 95%. In summary, the available evidence is currently insufficient to determine the role of this variant in disease. Therefore, it has been classified as a Variant of Uncertain Significance.

Ambry Genetics
Classification: Uncertain significance for Inborn genetic diseases. Last evaluated: 2024-10-17. Review status: criteria provided, single submitter. Criteria: Ambry Variant Classification Scheme 2023. Collection method: clinical testing. Allele origin: germline.

NM_015046.7(SETX):c.2426T>C (p.Ile809Thr)

Gene: SETX (senataxin; minus strand). Cytogenetic location: 9q34.13.
Variant type: single nucleotide variant.
Coding change: c.2426T>C on transcript NM_015046.7 (MANE Select); coding-DNA position 2426, T replaced by C.
Protein change: p.Ile809Thr; replaces isoleucine 809 with threonine.
Molecular consequence: missense variant.
Genome position (GRCh38, 1-based): chr9:132,329,172, A>G on the plus strand (T>C on the coding strand, the complement: SETX is on the minus strand). VCF-style: chr9-132329172-A-G. GRCh37 (hg19) VCF-style: chr9-135204559-A-G.
Other names: c.2426T>C, p.Ile809Thr (NM_001351527.2, NM_001351528.2); short protein forms I809T.
Identifiers: ClinVar variation 2923704 (VCV002923704.4), dbSNP rs1847056071, ClinGen allele CA375335974.